The following is an entry in ClinVar:

ClinVar aggregate classification (germline): Uncertain significance (1 of 4 stars; one submission).

Submission:

Labcorp Genetics (formerly Invitae), Labcorp
Classification: Uncertain significance. Last evaluated: 2022-02-01. Review status: criteria provided, single submitter. Criteria: Invitae Variant Classification Sherloc (09022015). Collection method: clinical testing. Allele origin: germline.
Comment: In summary, the available evidence is currently insufficient to determine the role of this variant in disease. Therefore, it has been classified as a Variant of Uncertain Significance. Algorithms developed to predict the effect of missense changes on protein structure and function are either unavailable or do not agree on the potential impact of this missense change (SIFT: "Deleterious"; PolyPhen-2: "Possibly Damaging"; Align-GVGD: "Class C0"). This variant has not been reported in the literature in individuals affected with RUSC2-related conditions. This variant is not present in population databases (gnomAD no frequency). This sequence change replaces glutamine, which is neutral and polar, with histidine, which is basic and polar, at codon 28 of the RUSC2 protein (p.Gln28His).

NM_014806.5(RUSC2):c.84G>T (p.Gln28His)

Gene: RUSC2 (RUN and SH3 domain containing 2; plus strand). Cytogenetic location: 9p13.3.
Variant type: single nucleotide variant.
Coding change: c.84G>T on transcript NM_014806.5 (MANE Select); coding-DNA position 84, G replaced by T.
Protein change: p.Gln28His; replaces glutamine 28 with histidine.
Molecular consequence: missense variant. On other transcripts: non-coding transcript variant (1), intron variant (1).
Genome position (GRCh38, 1-based): chr9:35,546,605, G>T. VCF-style: chr9-35546605-G-T. GRCh37 (hg19) VCF-style: chr9-35546602-G-T.
Other names: c.84G>T, p.Gln28His (NM_001135999.2); c.-620-8455G>T (NM_001330740.2); short protein forms Q28H.
Identifiers: ClinVar variation 2084955 (VCV002084955.4), dbSNP rs1188563252, ClinGen allele CA373325769.
Genomic context (GRCh38, chr9:35,546,605, plus strand): 5'-TGGAGAGACCCTCATCGTTCATCACATCCCCCTGGTGCACTGCCAAGTCCCAGACAGGCA[G>T]TGCTGTGGAGGGGCAGGTGGAGGTGGTGGGAGCACAAGACCTAATCCCTTCTGCCCACCT-3'
Protein context (NP_055621.2, residues 18-38): PLVHCQVPDR[Gln28His]CCGGAGGGGG